The following is an entry in ClinVar:

NM_001292034.3(TAB2):c.604_605dup (p.Pro203fs)

Gene: TAB2 (TGF-beta activated kinase 1 (MAP3K7) binding protein 2; plus strand). Cytogenetic location: 6q25.1.
Variant type: Duplication.
Coding change: c.604_605dup on transcript NM_001292034.3 (MANE Select); coding-DNA positions 604 to 605, 2 bases duplicated (CC; older notation c.604_605dupCC).
Protein change: p.Pro203fs; shifts the reading frame from proline 203.
Molecular consequence: frameshift variant.
Genome position (GRCh38, 1-based): chr6:149,378,519-149,378,520, CC duplicated. VCF-style (leftmost placement, unchanged base first): chr6-149378518-T-TCC. GRCh37 (hg19) VCF-style: chr6-149699654-T-TCC.
Other names: c.508_509dup, p.Pro171fs (NM_001292035.3); c.604_605dup, p.Pro203fs (NM_001369506.1, NM_015093.6); short protein forms P171fs, P203fs.
Identifiers: ClinVar variation 5038438 (VCV005038438.1).
Genomic context (GRCh38, chr6:149,378,518, plus strand): 5'-AGCCCCAAATATCCAGACTGGTCGTAATACTCCTACATCTTTGCACATACATGGTGTACC[T>TCC]CCACCTGTACTTAACAGTCCACAGGGAAATTCTATCTATATTAGGCCTTACATTACAACT-3'

ClinVar aggregate classification (germline): Likely pathogenic (1 of 4 stars; one submission).

Conditions:
Congenital heart defects, multiple types, 2 (CHTD2). Also called: Congenital heart defects, nonsyndromic, 2. Identifiers: Orphanet 664401, MedGen C3554279, MONDO:0014000, OMIM 614980.

Submission:

Department of Clinical Genetics, Aarhus University Hospital
Classification: Likely pathogenic for Congenital heart defects, multiple types, 2. Last evaluated: 2026-10-01. Review status: criteria provided, single submitter. Criteria: ACMG Guidelines, 2015. Collection method: clinical testing. Allele origin: unknown. Inheritance: Autosomal dominant inheritance. Affected: yes.
Comment: The variant was not seen in gnomAD 4.1 (PM2_sup). The variant is a frameshift variant leading to a STOP codon at position +41. HGMD 2026.2 contains numerous loss of function variants reported in patients with TAB2 related phenotype. pLI = 1 for TAB2. PVS1